The following is an entry in ClinVar:

NM_199420.4(POLQ):c.3727A>T (p.Asn1243Tyr)

Gene: POLQ (DNA polymerase theta; minus strand). Cytogenetic location: 3q13.33.
Variant type: single nucleotide variant.
Coding change: c.3727A>T on transcript NM_199420.4 (MANE Select); coding-DNA position 3727, A replaced by T.
Protein change: p.Asn1243Tyr; replaces asparagine 1243 with tyrosine.
Molecular consequence: missense variant.
Genome position (GRCh38, 1-based): chr3:121,489,204, T>A on the plus strand (A>T on the coding strand, the complement: POLQ is on the minus strand). VCF-style: chr3-121489204-T-A. GRCh37 (hg19) VCF-style: chr3-121208051-T-A.
Other names: short protein forms N1243Y.
Identifiers: ClinVar variation 2449597 (VCV002449597.2), dbSNP rs1346256714, ClinGen allele CA354097701.

ClinVar aggregate classification (germline): Uncertain significance (1 of 4 stars; one submission).

Allele frequency attached by ClinVar (database versions not stated): gnomAD exomes below 0.00001.
gnomAD v4.1: 1 of 1,612,912 alleles (0.000062%); highest among the groups gnomAD compares: Non-Finnish European, 0.000085%; no homozygotes.

Submission:

Ambry Genetics
Classification: Uncertain significance. Last evaluated: 2023-01-03. Review status: criteria provided, single submitter. Criteria: Ambry Variant Classification Scheme 2023. Collection method: clinical testing. Allele origin: germline.
Comment: The p.N1243Y variant (also known as c.3727A>T), located in coding exon 16 of the POLQ gene, results from an A to T substitution at nucleotide position 3727. The asparagine at codon 1243 is replaced by tyrosine, an amino acid with dissimilar properties. This amino acid position is conserved. In addition, this alteration is predicted to be tolerated by in silico analysis. Since supporting evidence is limited at this time, the clinical significance of this alteration remains unclear.